The following is an entry in ClinVar:

NM_014516.4(CNOT3):c.2240T>C (p.Leu747Pro)

Genes: CNOT3 (CCR4-NOT transcription complex subunit 3; plus strand), LENG1 (leukocyte receptor cluster member 1; minus strand). Cytogenetic location: 19q13.42.
Variant type: single nucleotide variant.
Coding change: c.2240T>C on transcript NM_014516.4 (MANE Select); coding-DNA position 2240, T replaced by C.
Protein change: p.Leu747Pro; replaces leucine 747 with proline.
Molecular consequence: missense variant. On other transcripts: 3 prime UTR variant (1).
Genome position (GRCh38, 1-based): chr19:54,155,385, T>C. VCF-style: chr19-54155385-T-C. GRCh37 (hg19) VCF-style: chr19-54659123-T-C.
Other names: c.*336A>G (NM_024316.3); short protein forms L747P.
Identifiers: ClinVar variation 3387819 (VCV003387819.1).
Genomic context (GRCh38, chr19:54,155,385, plus strand): 5'-TTGACTACGAGAAGTGGGGCCAGCGGAAGAAGGAAGGCTTCACCTTTGAGTACCGCTACC[T>C]GGAGGACCGGGACCTCCAGTGACACCGGCCCCTCCCTCTACCCACCCCCTTCCCCCGCAT-3'
Protein context (NP_055331.1, residues 737-753): KEGFTFEYRY[Leu747Pro]EDRDLQ

ClinVar aggregate classification (germline): Likely pathogenic (1 of 4 stars; one submission).

Conditions:
Intellectual developmental disorder with speech delay, autism, and dysmorphic facies. Identifiers: MedGen C5231456, MONDO:0032864, OMIM 618672.

Submission:

Cytogenetique et Genetique Moleculaire, CHU Besancon
Classification: Likely pathogenic for Intellectual developmental disorder with speech delay, autism, and dysmorphic facies. Last evaluated: 2023-08-13. Review status: criteria provided, single submitter. Criteria: ACMG Guidelines, 2015. Collection method: clinical testing. Allele origin: germline. Affected: yes.
Comment: The NM_014516.4:c.2240T>C variant is a missense variant in CNOT3 for which computational prediction tools unanimously support a deleterious effect on the gene (PP3). CNOT3 is a gene with low rate of benign missense mutations and for which missense mutation is a common mechanism of a disease (Missense Z-score =3,78) (PP2). This variant is not present in gnomAD (PM2; v4.1.0). In summary, this variant meets criteria to be classified as likely pathogenic for CNOT3-related neurodevelopmental disorders based on the ACMG/AMP criteria applied (PM2 PM6 PP2 PP3).